The following is an entry in ClinVar:

ClinVar aggregate classification (germline): Uncertain significance (1 of 4 stars; one submission).

Conditions:
Hypertrophic cardiomyopathy. Also called: HYPERTROPHIC MYOCARDIOPATHY. Identifiers: Orphanet 217569, MedGen C0007194, MeSH D002312, MONDO:0005045, HP:0001639.

Submission:

Labcorp Genetics (formerly Invitae), Labcorp
Classification: Uncertain significance for Hypertrophic cardiomyopathy. Last evaluated: 2026-01-10. Review status: criteria provided, single submitter. Criteria: Invitae Variant Classification Sherloc (09022015). Collection method: clinical testing. Allele origin: germline.
Comment: This sequence change replaces isoleucine, which is neutral and non-polar, with threonine, which is neutral and polar, at codon 1240 of the MYBPC3 protein (p.Ile1240Thr). This variant is not present in population databases (gnomAD no frequency). This missense change has been observed in individual(s) with hypertrophic cardiomyopathy (PMID: 32815737). An algorithm developed to predict the effect of missense changes on protein structure and function (PolyPhen-2) suggests that this variant is likely to be disruptive. In summary, the available evidence is currently insufficient to determine the role of this variant in disease. Therefore, it has been classified as a Variant of Uncertain Significance.

Literature cited by the submitters: PubMed 32815737.

NM_000256.3(MYBPC3):c.3719T>C (p.Ile1240Thr)

Gene: MYBPC3 (myosin binding protein C3; minus strand). Cytogenetic location: 11p11.2.
Variant type: single nucleotide variant.
Coding change: c.3719T>C on transcript NM_000256.3 (MANE Select); coding-DNA position 3719, T replaced by C.
Protein change: p.Ile1240Thr; replaces isoleucine 1240 with threonine.
Molecular consequence: missense variant.
Genome position (GRCh38, 1-based): chr11:47,332,167, A>G on the plus strand (T>C on the coding strand, the complement: MYBPC3 is on the minus strand). VCF-style: chr11-47332167-A-G. GRCh37 (hg19) VCF-style: chr11-47353718-A-G.
Other names: short protein forms I1240T.
Identifiers: ClinVar variation 4763848 (VCV004763848.1).
Genomic context (GRCh38, chr11:47,332,167, plus strand): 5'-CCCTGTAAGTTGGTGGCCCTGCAGACATAGATGCCCCCGTCAAAGGGGCAGGGCTTTCTA[A>G]TCTCCAGAGTCAACACTCCCTGCTTGCTGAACATGCGGAAGCGGGCGTCTTCTCCCAGGT-3'
Protein context (NP_000247.2, residues 1230-1250): FSKQGVLTLE[Ile1240Thr]RKPCPFDGGI